The following is an entry in ClinVar:

NM_001042472.3(ABHD12):c.648_649dup (p.Glu217fs)

Genes: ABHD12 (abhydrolase domain containing 12, lysophospholipase; minus strand), LOC126863008 (CDK7 strongly-dependent group 2 enhancer GRCh37_chr20:25289826-25291025; plus strand). Cytogenetic location: 20p11.21.
Variant type: Duplication.
Coding change: c.648_649dup on transcript NM_001042472.3 (MANE Select); coding-DNA positions 648 to 649, 2 bases duplicated (TG; older notation c.648_649dupTG).
Protein change: p.Glu217fs; shifts the reading frame from glutamic acid 217.
Molecular consequence: frameshift variant.
Genome position (GRCh38, 1-based): chr20:25,309,546-25,309,547, CA duplicated on the plus strand (TG on the coding strand, the reverse complement: ABHD12 is on the minus strand). VCF-style (leftmost placement, unchanged base first): chr20-25309545-T-TCA. GRCh37 (hg19) VCF-style: chr20-25290181-T-TCA.
Other names: c.648_649dup, p.Glu217fs (NM_015600.5); short protein forms E217fs.
Identifiers: ClinVar variation 4944657 (VCV004944657.2).

ClinVar aggregate classification (germline): Pathogenic/Likely pathogenic. Review status: criteria provided, multiple submitters, no conflicts (2 of 4 stars). 2 submissions from 2 submitters: Pathogenic (1); Likely pathogenic (1). Last evaluated 2026-07-01.

Conditions:
ABHD12-related disorder. Also called: ABHD12-related condition.

Submissions (2):

CeGaT Center for Human Genetics Tuebingen
Classification: Pathogenic. Last evaluated: 2026-07-01. Review status: criteria provided, single submitter. Criteria: CeGaT Center For Human Genetics Tuebingen Variant Classification Criteria Version 2. Collection method: clinical testing. Allele origin: germline. Affected: yes. Observed: 1 variant allele.
Comment: ABHD12: PVS1, PM2

Blueprint Genetics
Classification: Likely pathogenic for ABHD12-related disorders. Last evaluated: 2019-10-15. Review status: criteria provided, single submitter. Criteria: ACMG Guidelines, 2015. Collection method: clinical testing. Allele origin: germline. Affected: yes. Observed: 1 variant allele.